The following is an entry in ClinVar:

NM_002382.5(MAX):c.436C>T (p.Pro146Ser)

Gene: MAX (MYC associated transcriptional regulator X; minus strand). Cytogenetic location: 14q23.3.
Variant type: single nucleotide variant.
Coding change: c.436C>T on transcript NM_002382.5 (MANE Select); coding-DNA position 436, C replaced by T.
Protein change: p.Pro146Ser; replaces proline 146 with serine.
Molecular consequence: missense variant. On other transcripts: 3 prime UTR variant (1), intron variant (2).
Genome position (GRCh38, 1-based): chr14:65,076,523, G>A on the plus strand (C>T on the coding strand, the complement: MAX is on the minus strand). VCF-style: chr14-65076523-G-A. GRCh37 (hg19) VCF-style: chr14-65543241-G-A.
Other names: c.247C>T, p.Pro83Ser (NM_001320415.2, NM_001407105.1, NM_001407106.1 and 1 more transcripts); c.436C>T, p.Pro146Ser (NM_001407094.1); c.409C>T, p.Pro137Ser (NM_001407095.1, NM_145112.3); c.*209C>T (NM_001407096.1, NM_001407099.1, NM_001407102.1 and 2 more transcripts); c.*225C>T (NM_001407097.1, NM_001407100.1, NM_001407101.1 and 4 more transcripts); c.328C>T, p.Pro110Ser (NM_001407098.1); c.235C>T, p.Pro79Ser (NM_001407111.1, NM_001407112.1); c.144+17185C>T (NM_001271069.2); and 1 more; short protein forms P137S, P110S, P79S, P83S, P146S.
Identifiers: ClinVar variation 2178557 (VCV002178557.5), dbSNP rs2063059715, ClinGen allele CA390031337.

ClinVar aggregate classification (germline): Uncertain significance. Review status: criteria provided, multiple submitters, no conflicts (2 of 4 stars). 2 submissions from 2 submitters: Uncertain significance (2). Last evaluated 2025-12-05.

Conditions:
Hereditary cancer-predisposing syndrome. Also called: Tumor predisposition; Hereditary Cancer Syndrome; Hereditary neoplastic syndrome; Neoplastic Syndromes, Hereditary. Identifiers: Orphanet 140162, MedGen C0027672, MeSH D009386, MONDO:0015356.
Hereditary pheochromocytoma and paraganglioma. Also called: Hereditary paragangliomas and pheochromocytomas; Hereditary Paraganglioma-Pheochromocytoma Syndromes; Hereditary pheochromocytoma-paraganglioma. Identifiers: Orphanet 29072, MedGen C4274332, MONDO:0017366.

Allele frequency attached by ClinVar (database versions not stated): gnomAD exomes below 0.00001; gnomAD 0.00001.
gnomAD v4.1: 3 of 1,613,880 alleles (0.00019%); highest among the groups gnomAD compares: East Asian, 0.0045%; no homozygotes.

Submissions (2):

Ambry Genetics
Classification: Uncertain significance for Hereditary cancer-predisposing syndrome. Last evaluated: 2025-12-05. Review status: criteria provided, single submitter. Criteria: Ambry Variant Classification Scheme 2023. Collection method: clinical testing. Allele origin: germline.
Comment: The p.P146S variant (also known as c.436C>T), located in coding exon 5 of the MAX gene, results from a C to T substitution at nucleotide position 436. The proline at codon 146 is replaced by serine, an amino acid with similar properties. This amino acid position is not well conserved in available vertebrate species. In addition, the in silico prediction for this alteration is inconclusive. Based on the available evidence, the clinical significance of this variant remains unclear.

Labcorp Genetics (formerly Invitae), Labcorp
Classification: Uncertain significance for Hereditary pheochromocytoma and paraganglioma. Last evaluated: 2023-09-25. Review status: criteria provided, single submitter. Criteria: Invitae Variant Classification Sherloc (09022015). Collection method: clinical testing. Allele origin: germline.
Comment: In summary, the available evidence is currently insufficient to determine the role of this variant in disease. Therefore, it has been classified as a Variant of Uncertain Significance. An algorithm developed to predict the effect of missense changes on protein structure and function (PolyPhen-2) suggests that this variant is likely to be tolerated. ClinVar contains an entry for this variant (Variation ID: 2178557). This variant has not been reported in the literature in individuals affected with MAX-related conditions. This variant is not present in population databases (gnomAD no frequency). This sequence change replaces proline, which is neutral and non-polar, with serine, which is neutral and polar, at codon 146 of the MAX protein (p.Pro146Ser).